The following is an entry in ClinVar:

NM_152564.5(VPS13B):c.10148C>G (p.Ser3383Ter)

Gene: VPS13B (vacuolar protein sorting 13 homolog B; plus strand). Cytogenetic location: 8q22.2.
Variant type: single nucleotide variant.
Coding change: c.10148C>G on transcript NM_152564.5 (MANE Select); coding-DNA position 10148, C replaced by G.
Protein change: p.Ser3383Ter; replaces serine 3383 with a stop codon.
Molecular consequence: nonsense.
Genome position (GRCh38, 1-based): chr8:99,853,537, C>G. VCF-style: chr8-99853537-C-G. GRCh37 (hg19) VCF-style: chr8-100865765-C-G.
Other names: c.10223C>G, p.Ser3408Ter (NM_017890.5); c.10223C>G (NM_017890.4); short protein forms S3408*, S3383*.
Identifiers: ClinVar variation 1452165 (VCV001452165.7), dbSNP rs1014479884, ClinGen allele CA182314039.

ClinVar aggregate classification (germline): Pathogenic/Likely pathogenic. Review status: criteria provided, multiple submitters, no conflicts (2 of 4 stars). 2 submissions from 2 submitters: Pathogenic (1); Likely pathogenic (1). Last evaluated 2025-09-22.

Conditions:
Cohen syndrome (COH1). Also called: Cutis verticis gyrata, retinitis pigmentosa, and sensorineural deafness; PEPPER SYNDROME. Identifiers: Orphanet 193, MedGen C0265223, MONDO:0008999, OMIM 216550.

Allele frequency attached by ClinVar (database versions not stated): gnomAD exomes below 0.00001; TOPMed 0.00001.
gnomAD v4.1: 3 of 1,614,208 alleles (0.00019%); highest among the groups gnomAD compares: Non-Finnish European, 0.00025%; no homozygotes.

Submissions (2):

Labcorp Genetics (formerly Invitae), Labcorp
Classification: Pathogenic for Cohen syndrome. Last evaluated: 2025-09-22. Review status: criteria provided, single submitter. Criteria: Invitae Variant Classification Sherloc (09022015). Collection method: clinical testing. Allele origin: germline.
Comment: This sequence change creates a premature translational stop signal (p.Ser3408*) in the VPS13B gene. It is expected to result in an absent or disrupted protein product. Loss-of-function variants in VPS13B are known to be pathogenic (PMID: 15141358, 16648375, 20461111). This variant is not present in population databases (gnomAD no frequency). This variant has not been reported in the literature in individuals affected with VPS13B-related conditions. ClinVar contains an entry for this variant (Variation ID: 1452165). For these reasons, this variant has been classified as Pathogenic.

Fulgent Genetics
Classification: Likely pathogenic for Cohen syndrome. Last evaluated: 2024-04-15. Review status: criteria provided, single submitter. Criteria: ACMG Guidelines, 2015. Collection method: clinical testing. Allele origin: germline.

Literature cited by the submitters: PubMed 15141358 (cited by Labcorp Genetics (formerly Invitae), Labcorp); PubMed 16648375 (cited by Labcorp Genetics (formerly Invitae), Labcorp); PubMed 20461111 (cited by Labcorp Genetics (formerly Invitae), Labcorp).